The following is an entry in ClinVar:

NM_000214.3(JAG1):c.1763del (p.Pro588fs)

Gene: JAG1 (jagged canonical Notch ligand 1; minus strand). Cytogenetic location: 20p12.2.
Variant type: Deletion.
Coding change: c.1763del on transcript NM_000214.3 (MANE Select); coding-DNA position 1763, one base deleted (C; older notation c.1763delC).
Protein change: p.Pro588fs; shifts the reading frame from proline 588.
Molecular consequence: frameshift variant.
Genome position (GRCh38, 1-based): chr20:10,647,061, G deleted on the plus strand (C on the coding strand, the reverse complement: JAG1 is on the minus strand); the first of 2 consecutive G bases (chr20:10,647,061-10,647,062); deleting either gives the same sequence. VCF-style (leftmost placement, unchanged base first): chr20-10647060-AG-A. GRCh37 (hg19) VCF-style: chr20-10627708-AG-A.
Other names: short protein forms P588fs.
Identifiers: ClinVar variation 3723750 (VCV003723750.2).

ClinVar aggregate classification (germline): Pathogenic (1 of 4 stars; one submission).

Conditions:
Alagille syndrome due to a JAG1 point mutation. Also called: JAG1-Related Alagille Syndrome; HEPATIC DUCTULAR HYPOPLASIA, SYNDROMATIC; Alagille Syndrome 1. Identifiers: Orphanet 261619, Orphanet 52, MedGen C1956125, MONDO:0016862, OMIM 118450.

Submission:

Labcorp Genetics (formerly Invitae), Labcorp
Classification: Pathogenic for Alagille syndrome due to a JAG1 point mutation. Last evaluated: 2024-10-07. Review status: criteria provided, single submitter. Criteria: Invitae Variant Classification Sherloc (09022015). Collection method: clinical testing. Allele origin: germline.
Comment: This sequence change creates a premature translational stop signal (p.Pro588Leufs*155) in the JAG1 gene. It is expected to result in an absent or disrupted protein product. Loss-of-function variants in JAG1 are known to be pathogenic (PMID: 11180599). This variant is not present in population databases (gnomAD no frequency). This premature translational stop signal has been observed in individual(s) with Alagille syndrome (PMID: 21752016). For these reasons, this variant has been classified as Pathogenic.

Literature cited by the submitters: PubMed 11180599; PubMed 21752016.